The following is an entry in ClinVar:

ClinVar aggregate classification (germline): Uncertain significance (1 of 4 stars; one submission).

Submission:

GeneDx
Classification: Uncertain significance. Last evaluated: 2026-02-28. Review status: criteria provided, single submitter. Criteria: GeneDx Variant Classification Process June 2021. Collection method: clinical testing. Allele origin: germline.
Comment: Not observed at significant frequency in large population cohorts (gnomAD); In silico analysis suggests that this missense variant does not alter protein structure/function; Has not been previously published as pathogenic or benign to our knowledge

NM_006885.4(ZFHX3):c.1538C>A (p.Ala513Asp)

Gene: ZFHX3 (zinc finger homeobox 3; minus strand). Cytogenetic location: 16q22.3.
Variant type: single nucleotide variant.
Coding change: c.1538C>A on transcript NM_006885.4 (MANE Select); coding-DNA position 1538, C replaced by A.
Protein change: p.Ala513Asp; replaces alanine 513 with aspartic acid.
Molecular consequence: missense variant. On other transcripts: intron variant (1).
Genome position (GRCh38, 1-based): chr16:72,958,608, G>T on the plus strand (C>A on the coding strand, the complement: ZFHX3 is on the minus strand). VCF-style: chr16-72958608-G-T. GRCh37 (hg19) VCF-style: chr16-72992507-G-T.
Other names: c.1538C>A, p.Ala513Asp (NM_001386735.1); c.-23-7643C>A (NM_001164766.2); short protein forms A513D.
Identifiers: ClinVar variation 5008055 (VCV005008055.1).